The following is an entry in ClinVar:

NM_024642.5(GALNT12):c.1717A>G (p.Lys573Glu)

Gene: GALNT12 (polypeptide N-acetylgalactosaminyltransferase 12; plus strand). Cytogenetic location: 9q22.33.
Variant type: single nucleotide variant.
Coding change: c.1717A>G on transcript NM_024642.5 (MANE Select); coding-DNA position 1717, A replaced by G.
Protein change: p.Lys573Glu; replaces lysine 573 with glutamic acid.
Molecular consequence: missense variant.
Genome position (GRCh38, 1-based): chr9:98,849,063, A>G. VCF-style: chr9-98849063-A-G. GRCh37 (hg19) VCF-style: chr9-101611345-A-G.
Other names: short protein forms K573E.
Identifiers: ClinVar variation 819897 (VCV000819897.5), dbSNP rs1588461421, ClinGen allele CA374223317.

ClinVar aggregate classification (germline): Uncertain significance (1 of 4 stars; one submission).

Submission:

Ambry Genetics
Classification: Uncertain significance. Last evaluated: 2024-09-30. Review status: criteria provided, single submitter. Criteria: Ambry Variant Classification Scheme 2023. Collection method: clinical testing. Allele origin: germline.
Comment: The p.K573E variant (also known as c.1717A>G), located in coding exon 10 of the GALNT12 gene, results from an A to G substitution at nucleotide position 1717. The lysine at codon 573 is replaced by glutamic acid, an amino acid with similar properties. This amino acid position is not well conserved in available vertebrate species. In addition, this alteration is predicted to be tolerated by in silico analysis. Since supporting evidence is limited at this time, the clinical significance of this alteration remains unclear.